The following is an entry in ClinVar:

ClinVar aggregate classification (germline): Uncertain significance. Review status: reviewed by expert panel (3 of 4 stars). 5 submissions from 5 submitters: Uncertain significance (1). 4 of the submissions do not count toward it. Last evaluated 2024-08-27.

Conditions:
RYR1-related disorder. Also called: RYR1-related condition; RYR1-related disorders. Identifiers: MedGen CN239331.
RYR1-related myopathy. Identifiers: Orphanet 98742, MedGen CN305348, MONDO:0100150.
Malignant hyperthermia, susceptibility to, 1 (MHS1). Also called: RYR1-Related Malignant Hyperthermia Susceptibility; Anesthesia related hyperthermia; Malignant hyperpyrexia; Fulminating hyperpyrexia; Pharmacogenic myopathy; Malignant hyperthermia suceptibility 1. Identifiers: Orphanet 423, MedGen C2930980, MONDO:0007783, OMIM 145600.
Congenital myopathy with fiber type disproportion. Also called: Congenital fiber-type disproportion myopathy; Congenital fiber-type disproportion. Identifiers: Orphanet 2020, MedGen C0546264, MONDO:0009711. Inheritance: all.

Allele frequency attached by ClinVar (database versions not stated): gnomAD exomes 0.00004; gnomAD 0.00005; TOPMed 0.00005; ExAC 0.00006; ESP Exome Variant Server 0.00015.
gnomAD v4.1: 144 of 1,613,666 alleles (0.0089%); highest among the groups gnomAD compares: Middle Eastern, 0.016%; no homozygotes.

Submissions (5):

ClinGen Congenital Myopathies Variant Curation Expert Panel, ClinGen
Classification: Uncertain significance for RYR1-related myopathy. Last evaluated: 2024-08-27. Review status: reviewed by expert panel. Criteria: ClinGen CongenMyopathy ACMG Specifications RYR1 AD V2.0.0. Collection method: curation. Allele origin: germline. Inheritance: Autosomal dominant inheritance.
Comment: The c.9874C>T variant in RYR1 is a missense variant predicted to cause substitution of proline by serine at amino acid 3292 (p.Pro3292Ser). The filtering allele frequency (the lower threshold of the 95% CI of 10/126442) of the c.9874C>T variant in RYR1 is 0.00004204 for European (non-Finnish) chromosomes by gnomAD v4.1 (BA1, BS1, PM2 not met). The computational predictor REVEL gives a score of 0.346, which is neither above nor below the thresholds predicting a damaging or benign impact on RYR1 function. In summary, this variant meets the criteria to be classified as uncertain significance for RYR1-related myopathy based on the ACMG/AMP criteria applied, as specified by the ClinGen Congenital Myopathies VCEP: None. (ClinGen Congenital Myopathies VCEP specifications version 2; 08/27/2024)

Labcorp Genetics (formerly Invitae), Labcorp
Classification: Uncertain significance for RYR1-related disorder. Last evaluated: 2025-11-28. Review status: criteria provided, single submitter. Criteria: Invitae Variant Classification Sherloc (09022015). Collection method: clinical testing. Allele origin: germline. Not counted in ClinVar's aggregate classification.
Comment: This sequence change replaces proline, which is neutral and non-polar, with serine, which is neutral and polar, at codon 3292 of the RYR1 protein (p.Pro3292Ser). This variant is present in population databases (rs144135230, gnomAD 0.008%). This variant has not been reported in the literature in individuals affected with RYR1-related conditions. ClinVar contains an entry for this variant (Variation ID: 651289). Invitae Evidence Modeling of protein sequence and biophysical properties (such as structural, functional, and spatial information, amino acid conservation, physicochemical variation, residue mobility, and thermodynamic stability) indicates that this missense variant is not expected to disrupt RYR1 protein function with a negative predictive value of 80%. In summary, the available evidence is currently insufficient to determine the role of this variant in disease. Therefore, it has been classified as a Variant of Uncertain Significance.

All of Us Research Program, National Institutes of Health
Classification: Uncertain significance for Malignant hyperthermia, susceptibility to, 1. Last evaluated: 2024-08-29. Review status: criteria provided, single submitter. Criteria: ACMG Guidelines, 2015. Collection method: clinical testing. Allele origin: germline. Inheritance: Autosomal dominant inheritance. Observed: 7 variant alleles, 7 heterozygotes. Not counted in ClinVar's aggregate classification.
Comment: This missense variant replaces proline with serine at codon 3292 of the RYR1 protein. Computational prediction suggests that this variant may not impact protein structure and function (internally defined REVEL score threshold <= 0.5, PMID: 27666373). To our knowledge, functional studies have not been reported for this variant. This variant has not been reported in individuals affected with RYR1-related disorders in the literature. This variant has been identified in 11/279532 chromosomes in the general population by the Genome Aggregation Database (gnomAD). The available evidence is insufficient to determine the role of this variant in disease conclusively. Therefore, this variant is classified as a Variant of Uncertain Significance.

This study involves interpretation of variants in research participants for the purpose of population health screening. Participant phenotype was not available at the time of variant classification. Additional details can be found in publication PMID: 35346344, PMCID: PMC8962531

Color Diagnostics, LLC DBA Color Health
Classification: Uncertain significance for Malignant hyperthermia, susceptibility to, 1. Last evaluated: 2024-02-03. Review status: criteria provided, single submitter. Criteria: ACMG Guidelines, 2015. Collection method: clinical testing. Allele origin: germline. Not counted in ClinVar's aggregate classification.
Comment: This missense variant replaces proline with serine at codon 3292 of the RYR1 protein. Computational prediction suggests that this variant may not impact protein structure and function. To our knowledge, functional studies have not been reported for this variant. This variant has not been reported in individuals affected with RYR1-related disorders in the literature. This variant has been identified in 11/279532 chromosomes in the general population by the Genome Aggregation Database (gnomAD). The available evidence is insufficient to determine the role of this variant in disease conclusively. Therefore, this variant is classified as a Variant of Uncertain Significance.

Centre for Mendelian Genomics, University Medical Centre Ljubljana
Classification: Uncertain significance for Congenital myopathy 4A, autosomal dominant. Last evaluated: 2019-05-20. Review status: criteria provided, single submitter. Criteria: ACMG Guidelines, 2015. Collection method: clinical testing. Allele origin: unknown. Affected: yes. Not counted in ClinVar's aggregate classification.
Comment: This variant was classified as: Uncertain significance. The available evidence on this variant's pathogenicity is insufficient or conflicting. The following ACMG criteria were applied in classifying this variant: PP2,BP4.

NM_000540.3(RYR1):c.9874C>T (p.Pro3292Ser)

Gene: RYR1 (ryanodine receptor 1; plus strand). Cytogenetic location: 19q13.2.
Variant type: single nucleotide variant.
Coding change: c.9874C>T on transcript NM_000540.3 (MANE Select); coding-DNA position 9874, C replaced by T.
Protein change: p.Pro3292Ser; replaces proline 3292 with serine.
Molecular consequence: missense variant.
Genome position (GRCh38, 1-based): chr19:38,517,547, C>T. VCF-style: chr19-38517547-C-T. GRCh37 (hg19) VCF-style: chr19-39008187-C-T.
Other names: NM_000540.3(RYR1):c.9874C>T; p.Pro3292Ser; c.9874C>T, p.Pro3292Ser (NM_001042723.2); short protein forms P3292S.
Identifiers: ClinVar variation 651289 (VCV000651289.13), dbSNP rs144135230, ClinGen allele CA074266.